The following is an entry in ClinVar:

NM_005902.4(SMAD3):c.546dup (p.Gly183fs)

Gene: SMAD3 (SMAD family member 3; plus strand). Cytogenetic location: 15q22.33.
Variant type: Duplication.
Coding change: c.546dup on transcript NM_005902.4 (MANE Select); coding-DNA position 546, one base duplicated (T; older notation c.546dupT).
Protein change: p.Gly183fs; shifts the reading frame from glycine 183.
Molecular consequence: frameshift variant. On other transcripts: 5 prime UTR variant (2).
Genome position (GRCh38, 1-based): chr15:67,166,792, T duplicated. VCF-style (leftmost placement, unchanged base first): chr15-67166791-C-CT. GRCh37 (hg19) VCF-style: chr15-67459129-C-CT.
Other names: c.231dup, p.Gly78fs (NM_001407016.1, NM_001145102.2); c.-40dup (NM_001407017.1, NM_001145104.2); c.414dup, p.Gly139fs (NM_001145103.2, NM_001407012.1); c.546dup, p.Gly183fs (NM_001407011.1, NM_001407013.1); c.399dup, p.Gly134fs (NM_001407014.1); c.99dup, p.Gly34fs (NM_001407015.1); short protein forms G34fs, G78fs, G134fs, G139fs, G183fs.
Identifiers: ClinVar variation 2566751 (VCV002566751.2), dbSNP rs2505222700, ClinGen allele CA2580613863.

ClinVar aggregate classification (germline): Pathogenic (1 of 4 stars; one submission).

Conditions:
Familial thoracic aortic aneurysm and aortic dissection (TAAD). Also called: Thoracic aortic aneurysms and dissections. Identifiers: Orphanet 91387, MedGen C4707243, MONDO:0019625.

Submission:

Ambry Genetics
Classification: Pathogenic for Familial thoracic aortic aneurysm and aortic dissection. Last evaluated: 2023-05-04. Review status: criteria provided, single submitter. Criteria: Ambry Variant Classification Scheme 2023. Collection method: clinical testing. Allele origin: germline.
Comment: The c.546dupT pathogenic mutation, located in coding exon 4 of the SMAD3 gene, results from a duplication of T at nucleotide position 546, causing a translational frameshift with a predicted alternate stop codon (p.G183Wfs*5). This variant is considered to be rare based on population cohorts in the Genome Aggregation Database (gnomAD). This alteration is expected to result in loss of function by premature protein truncation or nonsense-mediated mRNA decay. As such, this alteration is interpreted as a disease-causing mutation.